The following is an entry in ClinVar:

NM_015662.3(IFT172):c.482+56G>A

Gene: IFT172 (intraflagellar transport 172; minus strand). Cytogenetic location: 2p23.3.
Variant type: single nucleotide variant.
Coding change: c.482+56G>A on transcript NM_015662.3 (MANE Select); 56 bases into the intron after coding-DNA position 482, G replaced by A.
Molecular consequence: intron variant.
Genome position (GRCh38, 1-based): chr2:27,483,524, C>T on the plus strand (G>A on the coding strand, the complement: IFT172 is on the minus strand). VCF-style: chr2-27483524-C-T. GRCh37 (hg19) VCF-style: chr2-27706391-C-T.
Other names: NC_000002.11:g.27706391C>T.
Identifiers: ClinVar variation 677665 (VCV000677665.3), dbSNP rs183677465, ClinGen allele CA11148020.
Genomic context (GRCh38, chr2:27,483,524, plus strand): 5'-TGTGCTTCCTGCTACCAGTTCTCCTGCCTTTCATACTATGGTCTTGCAGTCCAGACTTCC[C>T]CACAGCATTTTCCTAACACTTCCAGACTCTAGTGATACTACTCCTCTTTACTCACTTTGT-3'

ClinVar aggregate classification (germline): Likely benign. Review status: criteria provided, multiple submitters, no conflicts (2 of 4 stars). 2 submissions from 2 submitters: Likely benign (2). Last evaluated 2018-06-16.

Allele frequency attached by ClinVar (database versions not stated): 1000 Genomes Project 30x 0.00250; 1000 Genomes Project 0.00260; ESP Exome Variant Server 0.00394; TOPMed 0.00398; gnomAD 0.00509 and 0.00526; gnomAD exomes 0.00547.
gnomAD v4.1: 8,615 of 1,579,094 alleles (0.55%); highest among the groups gnomAD compares: Middle Eastern, 0.84%; 33 homozygotes.

Submissions (3):

GeneDx
Classification: Likely benign. Last evaluated: 2018-06-16. Review status: criteria provided, single submitter. Criteria: GeneDx Variant Classification (06012015). Collection method: clinical testing. Allele origin: germline. Affected: yes.
Comment: This variant is considered likely benign or benign based on one or more of the following criteria: it is a conservative change, it occurs at a poorly conserved position in the protein, it is predicted to be benign by multiple in silico algorithms, and/or has population frequency not consistent with disease.

Breakthrough Genomics
Classification: Likely benign. Review status: criteria provided, single submitter. Criteria: ACMG Guidelines, 2015. Collection method: not provided. Allele origin: germline. Inheritance: Autosomal recessive inheritance. Affected: yes.

Dr. Peter K. Rogan Lab, Western University
No classification provided (evidence only). Condition: Cervical cancer. Review status: no classification provided. Collection method: in vitro. Allele origin: not applicable. Functional consequence: retained intron. Not counted in ClinVar's aggregate classification.